The following is an entry in ClinVar:

NM_001018100.5(MYZAP):c.779del (p.His260fs)

Genes: GCOM1 (GCOM1, MYZAP-POLR2M combined locus; plus strand), MYZAP (myocardial zonula adherens protein; plus strand). Cytogenetic location: 15q21.3.
Variant type: Deletion.
Coding change: c.779del on transcript NM_001018100.5 (MANE Select); coding-DNA position 779, one base deleted (A; older notation c.779delA).
Protein change: p.His260fs; shifts the reading frame from histidine 260.
Molecular consequence: frameshift variant. On other transcripts: non-coding transcript variant (5).
Genome position (GRCh38, 1-based): chr15:57,632,534, A deleted. VCF-style (leftmost placement, unchanged base first): chr15-57632533-CA-C. GRCh37 (hg19) VCF-style: chr15-57924731-CA-C.
Other names: c.779del, p.His260fs (NM_152451.8, NM_001018090.6, NM_001018091.6 and 1 more transcripts); short protein forms H260fs.
Identifiers: ClinVar variation 4687890 (VCV004687890.1).
Genomic context (GRCh38, chr15:57,632,533, plus strand): 5'-GAGATGACCAAGAAGCTGTACAGCCAGTATGAGGAGAAGCTGCAGGAAGAACAGAGGAAG[CA>C]CAGTGCTGAGAAGGAGGCTCTTTTGGTGTGTGTGTTGTAGCTGCCGATGTAAACTTACCG-3'

ClinVar aggregate classification (germline): Likely pathogenic (1 of 4 stars; one submission).

Conditions:
Cardiomyopathy, dilated, 2K. Identifiers: MedGen C5935636, MONDO:0971175, OMIM 620894.

Submission:

Human Genetics Bochum, Ruhr University Bochum
Classification: Likely pathogenic for Cardiomyopathy, dilated, 2K. Last evaluated: 2025-02-05. Review status: criteria provided, single submitter. Criteria: ACMG Guidelines, 2015. Collection method: clinical testing. Allele origin: germline. Affected: yes.
Comment: was identified together with MYZAP c.1128dup; ACMG criteria used to clasify this variant: PVS1, PM2_SUP